The following is an entry in ClinVar:

NM_003332.4(TYROBP):c.202G>C (p.Val68Leu)

Gene: TYROBP (transmembrane immune signaling adaptor TYROBP; minus strand). Cytogenetic location: 19q13.12.
Variant type: single nucleotide variant.
Coding change: c.202G>C on transcript NM_003332.4 (MANE Select); coding-DNA position 202, G replaced by C.
Protein change: p.Val68Leu; replaces valine 68 with leucine.
Molecular consequence: missense variant. On other transcripts: non-coding transcript variant (1).
Genome position (GRCh38, 1-based): chr19:35,907,473, C>G on the plus strand (G>C on the coding strand, the complement: TYROBP is on the minus strand). VCF-style: chr19-35907473-C-G. GRCh37 (hg19) VCF-style: chr19-36398375-C-G.
Other names: c.202G>C (NM_003332.3); c.169G>C, p.Val57Leu (NM_001173514.2, NM_001173515.2); c.202G>C, p.Val68Leu (NM_198125.3); short protein forms V57L, V68L.
Identifiers: ClinVar variation 1469460 (VCV001469460.6), dbSNP rs1241449379, ClinGen allele CA405387904.

ClinVar aggregate classification (germline): Uncertain significance. Review status: criteria provided, multiple submitters, no conflicts (2 of 4 stars). 2 submissions from 2 submitters: Uncertain significance (2). Last evaluated 2024-12-03.

Conditions:
Inborn genetic diseases. Identifiers: MedGen C0950123, MeSH D030342.

Allele frequency attached by ClinVar (database versions not stated): gnomAD exomes below 0.00001 and 0.00001; TOPMed below 0.00001; gnomAD 0.00001.

Submissions (2):

Ambry Genetics
Classification: Uncertain significance for Inborn genetic diseases. Last evaluated: 2024-12-03. Review status: criteria provided, single submitter. Criteria: Ambry Variant Classification Scheme 2023. Collection method: clinical testing. Allele origin: germline.

Labcorp Genetics (formerly Invitae), Labcorp
Classification: Uncertain significance. Last evaluated: 2021-10-13. Review status: criteria provided, single submitter. Criteria: Invitae Variant Classification Sherloc (09022015). Collection method: clinical testing. Allele origin: germline.
Comment: This variant is not present in population databases (ExAC no frequency). This variant has not been reported in the literature in individuals affected with TYROBP-related conditions. Algorithms developed to predict the effect of missense changes on protein structure and function are either unavailable or do not agree on the potential impact of this missense change (SIFT: "Not Available"; PolyPhen-2: "Benign"; Align-GVGD: "Not Available"). In summary, the available evidence is currently insufficient to determine the role of this variant in disease. Therefore, it has been classified as a Variant of Uncertain Significance. This sequence change replaces valine with leucine at codon 68 of the TYROBP protein (p.Val68Leu). The valine residue is highly conserved and there is a small physicochemical difference between valine and leucine.